The following is an entry in ClinVar:

ClinVar aggregate classification (germline): Uncertain significance. Review status: criteria provided, multiple submitters, no conflicts (2 of 4 stars). 3 submissions from 3 submitters: Uncertain significance (3). Last evaluated 2026-09-23.

Conditions:
PLEC-related disorder. Also called: PLEC-related disorders; PLEC-related condition.
Epidermolysis bullosa simplex, Ogna type (EBS5A). Also called: Pidermolysis bullosa simplex 5A, Ogna type; EPIDERMOLYSIS BULLOSA SIMPLEX 5A, OGNA TYPE. Identifiers: Orphanet 79401, MedGen C0432317, MONDO:0007555, OMIM 131950.
Epidermolysis bullosa simplex 5B, with muscular dystrophy (EBS5B). Also called: Epidermolysis bullosa simplex with muscular dystrophy; EPIDERMOLYSIS BULLOSA SIMPLEX AND LIMB-GIRDLE MUSCULAR DYSTROPHY. Identifiers: Orphanet 257, MedGen C2931072, MONDO:0009181, OMIM 226670.
Epidermolysis bullosa simplex with nail dystrophy (EBS5D). Identifiers: MedGen C4225309, MONDO:0014661, OMIM 616487.
Autosomal recessive limb-girdle muscular dystrophy type 2Q (LGMDR17). Also called: MUSCULAR DYSTROPHY, LIMB-GIRDLE, AUTOSOMAL RECESSIVE 17. Identifiers: Orphanet 254361, MedGen C3150989, MONDO:0013390, OMIM 613723.
Epidermolysis bullosa simplex 5C, with pyloric atresia (EBS5C). Also called: PLEC-Related Epidermolysis Bullosa with Pyloric Atresia; Epidermolysis bullosa simplex with pyloric atresia; PLEC1-Related Epidermolysis Bullosa with Pyloric Atresia. Identifiers: Orphanet 158684, MedGen C2677349, MONDO:0012807, OMIM 612138.

Allele frequency attached by ClinVar (database versions not stated): gnomAD 0.00001; gnomAD exomes 0.00003 and 0.00004; TOPMed 0.00003; ExAC 0.00005.
gnomAD v4.1: 46 of 1,613,836 alleles (0.0029%); highest among the groups gnomAD compares: East Asian, 0.0067%; no homozygotes.

Submissions (3):

PreventionGenetics, part of Exact Sciences
Classification: Uncertain significance for PLEC-related condition. Last evaluated: 2026-09-23. Review status: criteria provided, single submitter. Criteria: ACMG Guidelines, 2015. Collection method: clinical testing. Allele origin: germline.
Comment: The PLEC c.10582G>A variant is predicted to result in the amino acid substitution p.Val3528Ile. To our knowledge, this variant has not been reported in the literature. This variant is reported in 0.0058% of alleles in individuals of Latino descent in gnomAD. At this time, the clinical significance of this variant is uncertain due to the absence of conclusive functional and genetic evidence.

Labcorp Genetics (formerly Invitae), Labcorp
Classification: Uncertain significance for Autosomal recessive limb-girdle muscular dystrophy type 2Q; Epidermolysis bullosa simplex, Ogna type; Epidermolysis bullosa simplex with nail dystrophy; Epidermolysis bullosa simplex 5C, with pyloric atresia; Epidermolysis bullosa simplex 5B, with muscular dystrophy. Last evaluated: 2023-10-15. Review status: criteria provided, single submitter. Criteria: Invitae Variant Classification Sherloc (09022015). Collection method: clinical testing. Allele origin: germline.
Comment: This sequence change replaces valine, which is neutral and non-polar, with isoleucine, which is neutral and non-polar, at codon 3528 of the PLEC protein (p.Val3528Ile). This variant is present in population databases (rs782252148, gnomAD 0.006%). This variant has not been reported in the literature in individuals affected with PLEC-related conditions. ClinVar contains an entry for this variant (Variation ID: 538965). Advanced modeling of protein sequence and biophysical properties (such as structural, functional, and spatial information, amino acid conservation, physicochemical variation, residue mobility, and thermodynamic stability) performed at Invitae indicates that this missense variant is not expected to disrupt PLEC protein function. In summary, the available evidence is currently insufficient to determine the role of this variant in disease. Therefore, it has been classified as a Variant of Uncertain Significance.

Revvity Omics, Revvity
Classification: Uncertain significance. Last evaluated: 2022-08-29. Review status: criteria provided, single submitter. Criteria: ACMG Guidelines, 2015. Collection method: clinical testing. Allele origin: germline.

NM_201384.3(PLEC):c.10501G>A (p.Val3501Ile)

Gene: PLEC (plectin; minus strand). Cytogenetic location: 8q24.3.
Variant type: single nucleotide variant.
Coding change: c.10501G>A on transcript NM_201384.3 (MANE Select); coding-DNA position 10501, G replaced by A.
Protein change: p.Val3501Ile; replaces valine 3501 with isoleucine.
Molecular consequence: missense variant.
Genome position (GRCh38, 1-based): chr8:143,919,320, C>T on the plus strand (G>A on the coding strand, the complement: PLEC is on the minus strand). VCF-style: chr8-143919320-C-T. GRCh37 (hg19) VCF-style: chr8-144993488-C-T.
Other names: c.10582G>A, p.Val3528Ile (NM_000445.5); c.10459G>A, p.Val3487Ile (NM_201378.4); c.10435G>A, p.Val3479Ile (NM_201379.3); c.10912G>A, p.Val3638Ile (NM_201380.4); c.10405G>A, p.Val3469Ile (NM_201381.3); c.10501G>A, p.Val3501Ile (NM_201382.4); c.10513G>A, p.Val3505Ile (NM_201383.3); short protein forms V3487I, V3528I, V3469I, V3479I, V3501I, V3505I, V3638I.
Identifiers: ClinVar variation 538965 (VCV000538965.12), dbSNP rs782252148, ClinGen allele CA4924628.